The following is an entry in ClinVar:

NM_002335.4(LRP5):c.2255G>A (p.Arg752Gln)

Gene: LRP5 (LDL receptor related protein 5; plus strand). Cytogenetic location: 11q13.2.
Variant type: single nucleotide variant.
Coding change: c.2255G>A on transcript NM_002335.4 (MANE Select); coding-DNA position 2255, G replaced by A.
Protein change: p.Arg752Gln; replaces arginine 752 with glutamine.
Molecular consequence: missense variant.
Genome position (GRCh38, 1-based): chr11:68,410,077, G>A. VCF-style: chr11-68410077-G-A. GRCh37 (hg19) VCF-style: chr11-68177545-G-A.
Other names: c.512G>A, p.Arg171Gln (NM_001291902.2); short protein forms R171Q, R752Q.
Identifiers: ClinVar variation 3248722 (VCV003248722.3).

ClinVar aggregate classification (germline): Likely pathogenic. Review status: criteria provided, single submitter (1 of 4 stars). 2 submissions from 2 submitters: Likely pathogenic (1). 1 of the submissions does not count toward it. Last evaluated 2025-10-27.

Conditions:
Retinal dystrophy. Also called: Inherited retinal dystrophy. Identifiers: Orphanet 71862, MedGen C0854723, MeSH D058499, MONDO:0019118, HP:0000556.

gnomAD v4.1: 7 of 1,613,882 alleles (0.00043%); highest among the groups gnomAD compares: South Asian, 0.0022%; no homozygotes.

Submissions (2):

Labcorp Genetics (formerly Invitae), Labcorp
Classification: Likely pathogenic. Last evaluated: 2025-10-27. Review status: criteria provided, single submitter. Criteria: Invitae Variant Classification Sherloc (09022015). Collection method: clinical testing. Allele origin: germline.
Comment: This sequence change replaces arginine, which is basic and polar, with glutamine, which is neutral and polar, at codon 752 of the LRP5 protein (p.Arg752Gln). This variant is not present in population databases (gnomAD no frequency). This variant has not been reported in the literature in individuals affected with LRP5-related conditions. ClinVar contains an entry for this variant (Variation ID: 3248722). Invitae Evidence Modeling of protein sequence and biophysical properties (such as structural, functional, and spatial information, amino acid conservation, physicochemical variation, residue mobility, and thermodynamic stability) indicates that this missense variant is expected to disrupt LRP5 protein function with a positive predictive value of 80%. This variant disrupts the p.Arg752 amino acid residue in LRP5. Other variant(s) that disrupt this residue have been observed in individuals with LRP5-related conditions (PMID: 15346351, 25384351, 30452590, 31077665), which suggests that this may be a clinically significant amino acid residue. In summary, the currently available evidence indicates that the variant is pathogenic, but additional data are needed to prove that conclusively. Therefore, this variant has been classified as Likely Pathogenic.

Institute of Human Genetics, Univ. Regensburg, Univ. Regensburg
Classification: Likely pathogenic for Retinal dystrophy. Last evaluated: 2022-01-01. Review status: no assertion criteria provided. Criteria: ACMG Guidelines, 2015. Collection method: clinical testing. Allele origin: germline. Affected: yes. Not counted in ClinVar's aggregate classification.

Literature cited by the submitters: PubMed 15346351 (cited by Labcorp Genetics (formerly Invitae), Labcorp); PubMed 25384351 (cited by Labcorp Genetics (formerly Invitae), Labcorp); PubMed 30452590 (cited by Labcorp Genetics (formerly Invitae), Labcorp); PubMed 31077665 (cited by Labcorp Genetics (formerly Invitae), Labcorp).